The following is an entry in ClinVar:

ClinVar aggregate classification (germline): Uncertain significance (1 of 4 stars; one submission).

Conditions:
Inborn genetic diseases. Identifiers: MedGen C0950123, MeSH D030342.

gnomAD v4.1: 3 of 1,610,444 alleles (0.00019%); highest among the groups gnomAD compares: Non-Finnish European, 0.00025%; no homozygotes.

Submission:

Ambry Genetics
Classification: Uncertain significance for Inborn genetic diseases. Last evaluated: 2024-12-14. Review status: criteria provided, single submitter. Criteria: Ambry Variant Classification Scheme 2023. Collection method: clinical testing. Allele origin: germline.
Comment: The p.P275S variant (also known as c.823C>T), located in coding exon 4 of the FANCM gene, results from a C to T substitution at nucleotide position 823. The proline at codon 275 is replaced by serine, an amino acid with similar properties. This amino acid position is conserved. In addition, this alteration is predicted to be tolerated by in silico analysis. Based on the available evidence, the clinical significance of this variant remains unclear.

NM_020937.4(FANCM):c.823C>T (p.Pro275Ser)

Gene: FANCM (FA complementation group M; plus strand). Cytogenetic location: 14q21.2.
Variant type: single nucleotide variant.
Coding change: c.823C>T on transcript NM_020937.4 (MANE Select); coding-DNA position 823, C replaced by T.
Protein change: p.Pro275Ser; replaces proline 275 with serine.
Molecular consequence: missense variant.
Genome position (GRCh38, 1-based): chr14:45,148,900, C>T. VCF-style: chr14-45148900-C-T. GRCh37 (hg19) VCF-style: chr14-45618103-C-T.
Other names: c.745C>T, p.Pro249Ser (NM_001308133.2); c.823C>T, p.Pro275Ser (NM_001308134.2); short protein forms P275S, P249S.
Identifiers: ClinVar variation 3848493 (VCV003848493.1).